The following is an entry in ClinVar:

ClinVar aggregate classification (germline): Uncertain significance. Review status: criteria provided, multiple submitters, no conflicts (2 of 4 stars). 2 submissions from 2 submitters: Uncertain significance (2). Last evaluated 2025-10-15.

Conditions:
SEMA3D-related disorder. Also called: SEMA3D-related condition.

Submissions (2):

PreventionGenetics, part of Exact Sciences
Classification: Uncertain significance for SEMA3D-related condition. Last evaluated: 2025-10-15. Review status: criteria provided, single submitter. Criteria: ACMG Guidelines, 2015. Collection method: clinical testing. Allele origin: germline.
Comment: The SEMA3D c.2323G>A variant is predicted to result in the amino acid substitution p.Val775Ile. To our knowledge, this variant has not been reported in the literature or in a large population database (gnomAD), indicating this variant is rare. At this time, the clinical significance of this variant is uncertain due to the absence of conclusive functional and genetic evidence.

Ambry Genetics
Classification: Uncertain significance. Last evaluated: 2022-08-30. Review status: criteria provided, single submitter. Criteria: Ambry Variant Classification Scheme 2023. Collection method: clinical testing. Allele origin: germline.

NM_001384900.1(SEMA3D):c.2323G>A (p.Val775Ile)

Genes: SEMA3D (semaphorin 3D; minus strand), LOC126860094 (BRD4-independent group 4 enhancer GRCh37_chr7:84628763-84629962; plus strand). Cytogenetic location: 7q21.11.
Variant type: single nucleotide variant.
Coding change: c.2323G>A on transcript NM_001384900.1 (MANE Select); coding-DNA position 2323, G replaced by A.
Protein change: p.Val775Ile; replaces valine 775 with isoleucine.
Molecular consequence: missense variant.
Genome position (GRCh38, 1-based): chr7:84,999,451, C>T on the plus strand (G>A on the coding strand, the complement: SEMA3D is on the minus strand). VCF-style: chr7-84999451-C-T. GRCh37 (hg19) VCF-style: chr7-84628767-C-T.
Other names: c.2323G>A, p.Val775Ile (NM_001384901.1, NM_001384902.1, NM_001384903.1 and 1 more transcripts); short protein forms V775I.
Identifiers: ClinVar variation 2389063 (VCV002389063.3), dbSNP rs2535077118, ClinGen allele CA368023002.